The following is an entry in ClinVar:

NM_005677.4(COLQ):c.163A>G (p.Thr55Ala)

Gene: COLQ (collagen like tail subunit of asymmetric acetylcholinesterase; minus strand). Cytogenetic location: 3p25.1.
Variant type: single nucleotide variant.
Coding change: c.163A>G on transcript NM_005677.4 (MANE Select); coding-DNA position 163, A replaced by G.
Protein change: p.Thr55Ala; replaces threonine 55 with alanine.
Molecular consequence: missense variant.
Genome position (GRCh38, 1-based): chr3:15,489,581, T>C on the plus strand (A>G on the coding strand, the complement: COLQ is on the minus strand). VCF-style: chr3-15489581-T-C. GRCh37 (hg19) VCF-style: chr3-15531088-T-C.
Other names: c.133A>G, p.Thr45Ala (NM_080538.2); c.163A>G, p.Thr55Ala (NM_080539.4); short protein forms T55A, T45A.
Identifiers: ClinVar variation 2086252 (VCV002086252.4), dbSNP rs1264366946, ClinGen allele CA351601510.
Genomic context (GRCh38, chr3:15,489,581, plus strand): 5'-TCACCGGACTTCGGCCACCTCTGAAGAATGGTGGTGGGAACAGTGGTGGTGGAGGAGGCG[T>C]CAGCAGGCAGCATGCTTTGTGGCCACCACGCTTCTTCTGATCCAGGCTGGGAAGGGCTGT-3'
Protein context (NP_005668.2, residues 45-65): RGGHKACCLL[Thr55Ala]PPPPPLFPPP

ClinVar aggregate classification (germline): Uncertain significance (1 of 4 stars; one submission).

Conditions:
Congenital myasthenic syndrome 5. Identifiers: Orphanet 590, MedGen C1864233, MONDO:0011281, OMIM 603034.

Allele frequency attached by ClinVar (database versions not stated): TOPMed below 0.00001; gnomAD 0.00001; gnomAD exomes 0.00001.
gnomAD v4.1: 13 of 1,613,992 alleles (0.00081%); highest among the groups gnomAD compares: African/African-American, 0.0013%; no homozygotes.

Submission:

Labcorp Genetics (formerly Invitae), Labcorp
Classification: Uncertain significance for Congenital myasthenic syndrome 5. Last evaluated: 2022-06-04. Review status: criteria provided, single submitter. Criteria: Invitae Variant Classification Sherloc (09022015). Collection method: clinical testing. Allele origin: germline.
Comment: In summary, the available evidence is currently insufficient to determine the role of this variant in disease. Therefore, it has been classified as a Variant of Uncertain Significance. Algorithms developed to predict the effect of missense changes on protein structure and function (SIFT, PolyPhen-2, Align-GVGD) all suggest that this variant is likely to be tolerated. This variant has not been reported in the literature in individuals affected with COLQ-related conditions. This variant is present in population databases (no rsID available, gnomAD 0.002%). This sequence change replaces threonine, which is neutral and polar, with alanine, which is neutral and non-polar, at codon 55 of the COLQ protein (p.Thr55Ala).